The following is an entry in ClinVar:

ClinVar aggregate classification (germline): Uncertain significance. Review status: criteria provided, multiple submitters, no conflicts (2 of 4 stars). 3 submissions from 3 submitters: Uncertain significance (3). Last evaluated 2026-07-13.

Conditions:
Long QT syndrome 6 (LQT6). Identifiers: Orphanet 101016, Orphanet 768, MedGen C3150953, MONDO:0013370, OMIM 613693.
Cardiovascular phenotype. Identifiers: MedGen CN230736.

Allele frequency attached by ClinVar (database versions not stated): gnomAD exomes below 0.00001.
gnomAD v4.1: 2 of 1,614,144 alleles (0.00012%); highest among the groups gnomAD compares: Non-Finnish European, 0.00017%; no homozygotes.

Submissions (3):

Ambry Genetics
Classification: Uncertain significance for Cardiovascular phenotype. Last evaluated: 2026-07-13. Review status: criteria provided, single submitter. Criteria: Ambry Variant Classification Scheme 2023. Collection method: clinical testing. Allele origin: germline.
Comment: The p.S98R variant (also known as c.294C>G), located in coding exon 1 of the KCNE2 gene, results from a C to G substitution at nucleotide position 294. The serine at codon 98 is replaced by arginine, an amino acid with dissimilar properties. This amino acid position is conserved. In addition, the in silico prediction for this alteration is inconclusive. Based on the available evidence, the clinical significance of this variant remains unclear.

Labcorp Genetics (formerly Invitae), Labcorp
Classification: Uncertain significance for Long QT syndrome 6. Last evaluated: 2019-07-31. Review status: criteria provided, single submitter. Criteria: Invitae Variant Classification Sherloc (09022015). Collection method: clinical testing. Allele origin: germline.
Comment: This sequence change replaces serine with arginine at codon 98 of the KCNE2 protein (p.Ser98Arg). The serine residue is highly conserved and there is a moderate physicochemical difference between serine and arginine. This variant is not present in population databases (ExAC no frequency). This variant has not been reported in the literature in individuals with KCNE2-related conditions. Algorithms developed to predict the effect of missense changes on protein structure and function are either unavailable or do not agree on the potential impact of this missense change (SIFT: "Deleterious"; PolyPhen-2: "Possibly Damaging"; Align-GVGD: "Class C0"). In summary, the available evidence is currently insufficient to determine the role of this variant in disease. Therefore, it has been classified as a Variant of Uncertain Significance.

MVZ Martinsried, Medicover Genetics
Classification: Uncertain significance for Long QT syndrome 6. Last evaluated: 2019-04-09. Review status: criteria provided, single submitter. Criteria: ACMG Guidelines, 2015. Collection method: clinical testing. Allele origin: unknown. Affected: yes.

NM_172201.2(KCNE2):c.294C>G (p.Ser98Arg)

Genes: KCNE2 (potassium voltage-gated channel subfamily E regulatory subunit 2; plus strand), LOC105372791 (uncharacterized LOC105372791; minus strand). Cytogenetic location: 21q22.11.
Variant type: single nucleotide variant.
Coding change: c.294C>G on transcript NM_172201.2 (MANE Select); coding-DNA position 294, C replaced by G.
Protein change: p.Ser98Arg; replaces serine 98 with arginine.
Molecular consequence: missense variant.
Genome position (GRCh38, 1-based): chr21:34,370,772, C>G. VCF-style: chr21-34370772-C-G. GRCh37 (hg19) VCF-style: chr21-35743071-C-G.
Other names: short protein forms S98R.
Identifiers: ClinVar variation 692254 (VCV000692254.12), dbSNP rs1196937368, ClinGen allele CA410197004.